The following is an entry in ClinVar:

ClinVar aggregate classification (germline): Benign (1 of 4 stars; one submission).

Conditions:
Ataxia-telangiectasia syndrome (AT). Also called: Ataxia telangiectasia (A-T); Cerebello-oculocutaneous telangiectasia; Immunodeficiency with ataxia telangiectasia; LOUIS-BAR SYNDROME; AT, COMPLEMENTATION GROUP C; ATAXIA-TELANGIECTASIA, FRESNO VARIANT. Identifiers: Orphanet 100, MedGen C0004135, MONDO:0008840, OMIM 208900.

Allele frequency attached by ClinVar (database versions not stated): TOPMed 0.00768; 1000 Genomes Project 0.01158; gnomAD 0.00675; 1000 Genomes Project 30x 0.01124.
gnomAD v4.1: 1,365 of 207,382 alleles (0.66%); highest among the groups gnomAD compares: African/African-American, 2.4%; 13 homozygotes.

Submission:

Illumina Laboratory Services, Illumina
Classification: Benign for Ataxia-telangiectasia syndrome. Last evaluated: 2018-01-12. Review status: criteria provided, single submitter. Criteria: ICSL Variant Classification Criteria 13 December 2019. Collection method: clinical testing. Allele origin: germline.
Comment: This variant was observed in the ICSL laboratory as part of a predisposition screen in an ostensibly healthy population. It had not been previously curated by ICSL or reported in the Human Gene Mutation Database (HGMD: prior to June 1st, 2018), and was therefore a candidate for classification through an automated scoring system. Utilizing variant allele frequency, disease prevalence and penetrance estimates, and inheritance mode, an automated score was calculated to assess if this variant is too frequent to cause the disease. Based on the score and internal cut-off values, a variant classified as benign is not then subjected to further curation. The score for this variant resulted in a classification of benign for this disease.

NM_000051.4(ATM):c.*2080C>T

Genes: ATM (ATM serine/threonine kinase; plus strand), C11orf65 (chromosome 11 open reading frame 65; minus strand). Cytogenetic location: 11q22.3.
Variant type: single nucleotide variant.
Coding change: c.*2080C>T on transcript NM_000051.4 (MANE Select); 2080 bases downstream of the stop codon, C replaced by T.
Molecular consequence: 3 prime UTR variant. On other transcripts: intron variant (2).
Genome position (GRCh38, 1-based): chr11:108,367,588, C>T. VCF-style: chr11-108367588-C-T. GRCh37 (hg19) VCF-style: chr11-108238315-C-T.
Other names: c.*2080C>T (NM_001351834.2); c.640+18332G>A (NM_001330368.2); c.694+18332G>A (NM_001351110.2).
Identifiers: ClinVar variation 302277 (VCV000302277.7), dbSNP rs142456486, ClinGen allele CA10637013.